The following is an entry in ClinVar:

ClinVar aggregate classification (germline): Benign. Review status: criteria provided, multiple submitters, no conflicts (2 of 4 stars). 3 submissions from 3 submitters: Benign (3). Last evaluated 2023-11-12.

Allele frequency attached by ClinVar (database versions not stated): 1000 Genomes Project 30x 0.19566; TOPMed 0.19811; 1000 Genomes Project 0.20108; gnomAD 0.20415 and 0.20680.
gnomAD v4.1: 365,849 of 1,606,326 alleles (23%); highest among the groups gnomAD compares: Middle Eastern, 29%; 42,967 homozygotes.

Submissions (3):

Unidad de Genómica Garrahan, Hospital de Pediatría Garrahan
Classification: Benign. Last evaluated: 2023-11-12. Review status: criteria provided, single submitter. Criteria: ACMG Guidelines, 2015. Collection method: clinical testing. Allele origin: germline. Affected: no. Observed: 41 variant alleles.
Comment: This variant is classified as Benign based on local population frequency. This variant was detected in 43% of patients studied by a panel of primary immunodeficiencies. Number of patients: 41. Only high quality variants are reported.

GeneDx
Classification: Benign. Last evaluated: 2021-05-14. Review status: criteria provided, single submitter. Criteria: GeneDx Variant Classification Process June 2021. Collection method: clinical testing. Allele origin: germline. Affected: yes.

Breakthrough Genomics
Classification: Benign. Review status: criteria provided, single submitter. Criteria: ACMG Guidelines, 2015. Collection method: not provided. Allele origin: germline. Inheritance: Autosomal recessive inheritance. Affected: yes.

NM_006254.4(PRKCD):c.658-55A>G

Gene: PRKCD (protein kinase C delta; plus strand). Cytogenetic location: 3p21.1.
Variant type: single nucleotide variant.
Coding change: c.658-55A>G on transcript NM_006254.4 (MANE Select); 55 bases into the intron before coding-DNA position 658, A replaced by G.
Molecular consequence: intron variant.
Genome position (GRCh38, 1-based): chr3:53,183,397, A>G. VCF-style: chr3-53183397-A-G. GRCh37 (hg19) VCF-style: chr3-53217413-A-G.
Other names: c.658-55A>G (NM_001354680.2, NM_001354679.2, NM_212539.2 and 1 more transcripts); c.715-55A>G (NM_001354676.2); c.706-55A>G (NM_001354678.2).
Identifiers: ClinVar variation 1259410 (VCV001259410.5), dbSNP rs2306572, ClinGen allele CA11500410.